The following is an entry in ClinVar:

NM_001048174.2(MUTYH):c.1158G>T (p.Gln386His)

Gene: MUTYH (mutY DNA glycosylase; minus strand). Cytogenetic location: 1p34.1.
Variant type: single nucleotide variant.
Coding change: c.1158G>T on transcript NM_001048174.2 (MANE Select); coding-DNA position 1158, G replaced by T.
Protein change: p.Gln386His; replaces glutamine 386 with histidine.
Molecular consequence: missense variant. On other transcripts: non-coding transcript variant (7).
Genome position (GRCh38, 1-based): chr1:45,331,501, C>A on the plus strand (G>T on the coding strand, the complement: MUTYH is on the minus strand). VCF-style: chr1-45331501-C-A. GRCh37 (hg19) VCF-style: chr1-45797173-C-A.
Other names: c.1158G>T, p.Gln386His (NM_001048171.2, NM_001048173.2, NM_001407070.1 and 6 more transcripts); c.1161G>T, p.Gln387His (NM_001048172.2, NM_001407071.1, NM_001407078.1 and 1 more transcripts); c.1074G>T, p.Gln358His (NM_001407075.1); c.1191G>T, p.Gln397His (NM_001407077.1, NM_001293191.2, NM_001407069.1); c.1119G>T, p.Gln373His (NM_001407079.1); c.1116G>T, p.Gln372His (NM_001407080.1); c.1242G>T, p.Gln414His (NM_001128425.2); c.1203G>T, p.Gln401His (NM_001293190.2); and 5 more; short protein forms Q294H, Q373H, Q386H, Q400H, Q401H, Q271H, Q411H, Q358H.
Identifiers: ClinVar variation 4113126 (VCV004113126.1).
Genomic context (GRCh38, chr1:45,331,501, plus strand): 5'-CGTGGCTGGGAGGGGCCCAGCCCAACGCTGTAGTTCCTGCAGCAGGGCCTTGCGCTGAAG[C>A]TGCTCTGAGGGCTCCCAGGTCACGGACGGGAACTCCCACAGTCCTGCCAGCAGACCTGAG-3'
Protein context (NP_001041639.1, residues 376-396): FPSVTWEPSE[Gln386His]LQRKALLQEL

ClinVar aggregate classification (germline): Uncertain significance (1 of 4 stars; one submission).

Conditions:
Hereditary cancer-predisposing syndrome. Also called: Tumor predisposition; Neoplastic Syndromes, Hereditary; Hereditary neoplastic syndrome; Hereditary Cancer Syndrome. Identifiers: Orphanet 140162, MedGen C0027672, MeSH D009386, MONDO:0015356.

Submission:

Ambry Genetics
Classification: Uncertain significance for Hereditary cancer-predisposing syndrome. Last evaluated: 2025-08-27. Review status: criteria provided, single submitter. Criteria: Ambry Variant Classification Scheme 2023. Collection method: clinical testing. Allele origin: germline.
Comment: The p.Q414H variant (also known as c.1242G>T), located in coding exon 13 of the MUTYH gene, results from a G to T substitution at nucleotide position 1242. The glutamine at codon 414 is replaced by histidine, an amino acid with highly similar properties. This amino acid position is conserved. In addition, this alteration is predicted to be tolerated by in silico analysis. Based on the available evidence, the clinical significance of this variant remains unclear.